The following is an entry in ClinVar:

NM_020964.3(EPG5):c.4809+1G>A

Gene: EPG5 (ectopic P-granules 5 autophagy tethering factor; minus strand). Cytogenetic location: 18q12.3.
Variant type: single nucleotide variant.
Coding change: c.4809+1G>A on transcript NM_020964.3 (MANE Select); the canonical splice donor site of the intron after coding-DNA position 4809, G replaced by A.
Molecular consequence: splice donor variant.
Genome position (GRCh38, 1-based): chr18:45,899,403, C>T on the plus strand (G>A on the coding strand, the complement: EPG5 is on the minus strand). VCF-style: chr18-45899403-C-T. GRCh37 (hg19) VCF-style: chr18-43479368-C-T.
Other names: c.4809+1G>A (NM_001410858.1, NM_001410859.1).
Identifiers: ClinVar variation 2790074 (VCV002790074.3), dbSNP rs1244992429, ClinGen allele CA402336634.

ClinVar aggregate classification (germline): Likely pathogenic (1 of 4 stars; one submission).

Conditions:
Vici syndrome (VICIS). Identifiers: Orphanet 1493, MedGen C1855772, MONDO:0009452, OMIM 242840.

Submission:

Labcorp Genetics (formerly Invitae), Labcorp
Classification: Likely pathogenic for Vici syndrome. Last evaluated: 2023-11-02. Review status: criteria provided, single submitter. Criteria: Invitae Variant Classification Sherloc (09022015). Collection method: clinical testing. Allele origin: germline.
Comment: This sequence change affects a donor splice site in intron 27 of the EPG5 gene. It is expected to disrupt RNA splicing. Variants that disrupt the donor or acceptor splice site typically lead to a loss of protein function (PMID: 16199547), and loss-of-function variants in EPG5 are known to be pathogenic (PMID: 23222957, 23674064). This variant is not present in population databases (gnomAD no frequency). This variant has not been reported in the literature in individuals affected with EPG5-related conditions. Algorithms developed to predict the effect of sequence changes on RNA splicing suggest that this variant may disrupt the consensus splice site. In summary, the currently available evidence indicates that the variant is pathogenic, but additional data are needed to prove that conclusively. Therefore, this variant has been classified as Likely Pathogenic.

Literature cited by the submitters: PubMed 16199547; PubMed 23222957; PubMed 23674064.